The following is an entry in ClinVar:

NM_001278064.2(GRM1):c.3226C>A (p.Gln1076Lys)

Gene: GRM1 (glutamate metabotropic receptor 1; plus strand). Cytogenetic location: 6q24.3.
Variant type: single nucleotide variant.
Coding change: c.3226C>A on transcript NM_001278064.2 (MANE Select); coding-DNA position 3226, C replaced by A.
Protein change: p.Gln1076Lys; replaces glutamine 1076 with lysine.
Molecular consequence: missense variant. On other transcripts: 3 prime UTR variant (3).
Genome position (GRCh38, 1-based): chr6:146,434,437, C>A. VCF-style: chr6-146434437-C-A. GRCh37 (hg19) VCF-style: chr6-146755573-C-A.
Other names: NM_000838.3:c.3226C>A; c.3226C>A (NM_001278064.1); c.*590C>A (NM_001278065.2); c.*555C>A (NM_001278066.1); c.*464C>A (NM_001278067.1); short protein forms Q1076K.
Identifiers: ClinVar variation 985581 (VCV000985581.8), dbSNP rs768482892, ClinGen allele CA4037659.

ClinVar aggregate classification (germline): Uncertain significance. Review status: criteria provided, multiple submitters, no conflicts (2 of 4 stars). 3 submissions from 3 submitters: Uncertain significance (3). Last evaluated 2025-02-03.

Conditions:
Inborn genetic diseases. Identifiers: MedGen C0950123, MeSH D030342.
GRM1-related disorder. Also called: GRM1-related condition.

Allele frequency attached by ClinVar (database versions not stated): gnomAD exomes below 0.00001; ExAC 0.00001; gnomAD 0.00001; TOPMed 0.00001.
gnomAD v4.1: 4 of 1,613,790 alleles (0.00025%); highest among the groups gnomAD compares: Admixed American, 0.0017%; no homozygotes.

Submissions (3):

PreventionGenetics, part of Exact Sciences
Classification: Uncertain significance for GRM1-related condition. Last evaluated: 2025-02-03. Review status: criteria provided, single submitter. Criteria: ACMG Guidelines, 2015. Collection method: clinical testing. Allele origin: germline.
Comment: The GRM1 c.3226C>A variant is predicted to result in the amino acid substitution p.Gln1076Lys. To our knowledge, this variant has not been reported in the literature. This variant is reported in 0.0029% of alleles in individuals of Latino descent in gnomAD. At this time, the clinical significance of this variant is uncertain due to the absence of conclusive functional and genetic evidence.

Labcorp Genetics (formerly Invitae), Labcorp
Classification: Uncertain significance. Last evaluated: 2023-10-03. Review status: criteria provided, single submitter. Criteria: Invitae Variant Classification Sherloc (09022015). Collection method: clinical testing. Allele origin: germline.
Comment: This sequence change replaces glutamine, which is neutral and polar, with lysine, which is basic and polar, at codon 1076 of the GRM1 protein (p.Gln1076Lys). This variant is present in population databases (rs768482892, gnomAD 0.003%). This variant has not been reported in the literature in individuals affected with GRM1-related conditions. ClinVar contains an entry for this variant (Variation ID: 985581). An algorithm developed to predict the effect of missense changes on protein structure and function (PolyPhen-2) suggests that this variant is likely to be tolerated. In summary, the available evidence is currently insufficient to determine the role of this variant in disease. Therefore, it has been classified as a Variant of Uncertain Significance.

Ambry Genetics
Classification: Uncertain significance for Inborn genetic diseases. Last evaluated: 2019-01-09. Review status: criteria provided, single submitter. Criteria: Ambry exome assertion method (8-5-2015). Collection method: clinical testing. Allele origin: germline. Affected: yes. Observed: 1 variant allele.